The following is an entry in ClinVar:

NM_018075.5(ANO10):c.146del (p.Gln49fs)

Gene: ANO10 (anoctamin 10; minus strand). Cytogenetic location: 3p21.33.
Variant type: Deletion.
Coding change: c.146del on transcript NM_018075.5 (MANE Select); coding-DNA position 146, one base deleted (A; older notation c.146delA).
Protein change: p.Gln49fs; shifts the reading frame from glutamine 49.
Molecular consequence: frameshift variant. On other transcripts: intron variant (4).
Genome position (GRCh38, 1-based): chr3:43,600,575, T deleted on the plus strand (A on the coding strand, the reverse complement: ANO10 is on the minus strand). VCF-style (leftmost placement, unchanged base first): chr3-43600574-CT-C. GRCh37 (hg19) VCF-style: chr3-43642066-CT-C.
Other names: c.146del, p.Gln49fs (NM_001204831.3, NM_001204834.3, NM_001346463.2 and 4 more transcripts); c.140-1909del (NM_001346469.2, NM_001204832.3, NM_001346466.2); c.139+5139del (NM_001204833.3); short protein forms Q49fs.
Identifiers: ClinVar variation 5014413 (VCV005014413.1).

ClinVar aggregate classification (germline): Pathogenic (1 of 4 stars; one submission).

Conditions:
Autosomal recessive spinocerebellar ataxia 10. Identifiers: Orphanet 284289, MedGen C3150998, MONDO:0013392, OMIM 613728.

Submission:

Myriad Genetics, Inc.
Classification: Pathogenic for Autosomal recessive spinocerebellar ataxia 10. Last evaluated: 2025-05-10. Review status: criteria provided, single submitter. Criteria: Myriad Autosomal Dominant, Autosomal Recessive and X-Linked Classification Criteria (2023). Collection method: clinical testing. Allele origin: unknown.
Comment: NM_018075.3(ANO10):c.146delA(Q49Rfs*8) is expected to be pathogenic in the context of spinocerebellar ataxia, ANO10-related. This variant is predicted to lead to an abnormal or absent protein product due to the creation of a premature termination codon in ANO10, a gene where loss-of-function variants are known to be pathogenic. Please note: this variant was assessed in the context of healthy population screening.